The following is an entry in ClinVar:

ClinVar aggregate classification (germline): Likely benign (1 of 4 stars; one submission).

Conditions:
UNC13A-related disorder. Also called: UNC13A-related condition.

gnomAD v4.1: 19 of 1,574,728 alleles (0.0012%); highest among the groups gnomAD compares: African/African-American, 0.015%; no homozygotes.

Submission:

PreventionGenetics, part of Exact Sciences
Classification: Likely benign for UNC13A-related condition. Last evaluated: 2026-09-11. Review status: criteria provided, single submitter. Criteria: ACMG Guidelines, 2015. Collection method: clinical testing. Allele origin: germline.
Comment: This variant is classified as likely benign based on ACMG/AMP sequence variant interpretation guidelines (Richards et al. 2015 PMID: 25741868, with internal and published modifications).

NM_001080421.3(UNC13A):c.5001G>A (p.Thr1667=)

Gene: UNC13A (unc-13 homolog A; minus strand). Cytogenetic location: 19p13.11.
Variant type: single nucleotide variant.
Coding change: c.5001G>A on transcript NM_001080421.3 (MANE Select); coding-DNA position 5001, G replaced by A.
Protein change: p.Thr1667=; no amino-acid change (threonine 1667 retained).
Molecular consequence: synonymous variant.
Genome position (GRCh38, 1-based): chr19:17,606,165, C>T on the plus strand (G>A on the coding strand, the complement: UNC13A is on the minus strand). VCF-style: chr19-17606165-C-T. GRCh37 (hg19) VCF-style: chr19-17716974-C-T.
Other names: c.4989G>A, p.Thr1663= (NM_001387021.1); c.4986G>A, p.Thr1662= (NM_001387022.1); c.4920G>A, p.Thr1640= (NM_001387023.1).
Identifiers: ClinVar variation 4978730 (VCV004978730.1).